The following is an entry in ClinVar:

ClinVar aggregate classification (germline): Likely benign. Review status: criteria provided, multiple submitters, no conflicts (2 of 4 stars). 2 submissions from 2 submitters: Likely benign (2). Last evaluated 2025-08-01.

Conditions:
Gorlin syndrome. Also called: Nevoid Basal Cell Carcinoma Syndrome; Basal cell nevus syndrome. Identifiers: Orphanet 377, MedGen C0004779, MONDO:0007187.

Allele frequency attached by ClinVar (database versions not stated): gnomAD exomes below 0.00001.
gnomAD v4.1: 1 of 1,614,114 alleles (0.000062%); highest among the groups gnomAD compares: South Asian, 0.0011%; no homozygotes.

Submissions (2):

CeGaT Center for Human Genetics Tuebingen
Classification: Likely benign. Last evaluated: 2025-08-01. Review status: criteria provided, single submitter. Criteria: CeGaT Center For Human Genetics Tuebingen Variant Classification Criteria Version 2. Collection method: clinical testing. Allele origin: germline. Affected: yes. Observed: 1 variant allele.
Comment: PTCH1: BP4, BP7

Labcorp Genetics (formerly Invitae), Labcorp
Classification: Likely benign for Gorlin syndrome. Last evaluated: 2019-09-13. Review status: criteria provided, single submitter. Criteria: Invitae Variant Classification Sherloc (09022015). Collection method: clinical testing. Allele origin: germline.

NM_000264.5(PTCH1):c.2028C>T (p.Tyr676=)

Genes: PTCH1 (patched 1; minus strand), LOC100507346 (uncharacterized LOC100507346; plus strand). Cytogenetic location: 9q22.32.
Variant type: single nucleotide variant.
Coding change: c.2028C>T on transcript NM_000264.5 (MANE Select); coding-DNA position 2028, C replaced by T.
Protein change: p.Tyr676=; no amino-acid change (tyrosine 676 retained).
Molecular consequence: synonymous variant. On other transcripts: non-coding transcript variant (2).
Genome position (GRCh38, 1-based): chr9:95,468,973, G>A on the plus strand (C>T on the coding strand, the complement: PTCH1 is on the minus strand). VCF-style: chr9-95468973-G-A. GRCh37 (hg19) VCF-style: chr9-98231255-G-A.
Other names: c.1830C>T, p.Tyr610= (NM_001083602.3); c.2025C>T, p.Tyr675= (NM_001083603.3); c.1575C>T, p.Tyr525= (NM_001083604.3, NM_001083605.3, NM_001083606.3 and 1 more transcripts); c.1872C>T, p.Tyr624= (NM_001354918.2).
Identifiers: ClinVar variation 1154440 (VCV001154440.17), dbSNP rs2118044447, ClinGen allele CA466352520.